The following is an entry in ClinVar:

ClinVar aggregate classification (germline): Pathogenic (1 of 4 stars; one submission).

Submission:

Labcorp Genetics (formerly Invitae), Labcorp
Classification: Pathogenic. Last evaluated: 2023-07-08. Review status: criteria provided, single submitter. Criteria: Invitae Variant Classification Sherloc (09022015). Collection method: clinical testing. Allele origin: germline.
Comment: For these reasons, this variant has been classified as Pathogenic. This variant has not been reported in the literature in individuals affected with TCIRG1-related conditions. This variant is not present in population databases (gnomAD no frequency). This sequence change creates a premature translational stop signal (p.Ser474Leufs*16) in the TCIRG1 gene. It is expected to result in an absent or disrupted protein product. Loss-of-function variants in TCIRG1 are known to be pathogenic (PMID: 10888887, 10942435, 11532986, 19448635).

Literature cited by the submitters: PubMed 10888887; PubMed 10942435; PubMed 11532986; PubMed 19448635.

NM_006019.4(TCIRG1):c.1419dup (p.Ser474fs)

Gene: TCIRG1 (T cell immune regulator 1, ATPase H+ transporting V0 subunit a3; plus strand). Cytogenetic location: 11q13.2.
Variant type: Duplication.
Coding change: c.1419dup on transcript NM_006019.4 (MANE Select); coding-DNA position 1419, one base duplicated (C; older notation c.1419dupC).
Protein change: p.Ser474fs; shifts the reading frame from serine 474.
Molecular consequence: frameshift variant.
Genome position (GRCh38, 1-based): chr11:68,047,760, C duplicated; the last of 4 consecutive C bases (chr11:68,047,757-68,047,760); duplicating any one gives the same sequence. VCF-style (leftmost placement, unchanged base first): chr11-68047756-T-TC. GRCh37 (hg19) VCF-style: chr11-67815223-T-TC.
Other names: c.525dup, p.Ser176fs (NM_001351059.2); c.771dup, p.Ser258fs (NM_006053.4); short protein forms S176fs, S258fs, S474fs.
Identifiers: ClinVar variation 2738109 (VCV002738109.3), dbSNP rs2495647470, ClinGen allele CA2574899522.